The following is an entry in ClinVar:

ClinVar aggregate classification (germline): Likely benign. Review status: criteria provided, multiple submitters, no conflicts (2 of 4 stars). 3 submissions from 3 submitters: Likely benign (3). Last evaluated 2025-09-22.

Conditions:
Melnick-Needles syndrome (MNS). Also called: Melnick-Needles Syndrome (FLNA-MNS); MELNICK-NEEDLES OSTEODYSPLASTY; OSTEODYSPLASTY OF MELNICK AND NEEDLES. Identifiers: Orphanet 2484, MedGen C0025237, MONDO:0010650, OMIM 309350.
Frontometaphyseal dysplasia (FMD1). Identifiers: Orphanet 1826, MedGen C0265293, MONDO:0015942.
Oto-palato-digital syndrome, type II (OPD2). Also called: Otopalatodigital Syndrome Type 2 (FLNA-OPD2); Otopalatodigital Syndrome, Type II; FACIOPALATOOSSEOUS SYNDROME; OPD II SYNDROME. Identifiers: Orphanet 669, Orphanet 90652, MedGen C1844696, MONDO:0010571, OMIM 304120.
Heterotopia, periventricular, X-linked dominant (PVNH1). Also called: PERIVENTRICULAR NODULAR HETEROTOPIA 1; PERIVENTRICULAR NODULAR HETEROTOPIA 4; HETEROTOPIA, PERIVENTRICULAR, 1; X-linked periventricular heterotopia. Identifiers: Orphanet 2149, Orphanet 82004, MedGen C1848213, MONDO:0010233, OMIM 300049.

Allele frequency attached by ClinVar (database versions not stated): gnomAD 0.00001; gnomAD exomes 0.00001; TOPMed 0.00002; ESP Exome Variant Server 0.00009.
gnomAD v4.1: 12 of 1,210,622 alleles (0.00099%); highest among the groups gnomAD compares: Admixed American, 0.0022%; no homozygotes.

Submissions (3):

Labcorp Genetics (formerly Invitae), Labcorp
Classification: Likely benign for Oto-palato-digital syndrome, type II; Heterotopia, periventricular, X-linked dominant; Frontometaphyseal dysplasia; Melnick-Needles syndrome. Last evaluated: 2025-09-22. Review status: criteria provided, single submitter. Criteria: Invitae Variant Classification Sherloc (09022015). Collection method: clinical testing. Allele origin: germline.

CeGaT Center for Human Genetics Tuebingen
Classification: Likely benign. Last evaluated: 2022-10-01. Review status: criteria provided, single submitter. Criteria: CeGaT Center For Human Genetics Tuebingen Variant Classification Criteria Version 2. Collection method: clinical testing. Allele origin: germline. Affected: yes. Observed: 1 variant allele.
Comment: FLNA: BP4, BP7

Blueprint Genetics
Classification: Likely benign. Last evaluated: 2021-08-24. Review status: criteria provided, single submitter. Criteria: ACMG Guidelines, 2015. Collection method: clinical testing. Allele origin: germline.

NM_001110556.2(FLNA):c.5826C>T (p.His1942=)

Gene: FLNA (filamin A; minus strand). Cytogenetic location: Xq28.
Variant type: single nucleotide variant.
Coding change: c.5826C>T on transcript NM_001110556.2 (MANE Select); coding-DNA position 5826, C replaced by T.
Protein change: p.His1942=; no amino-acid change (histidine 1942 retained).
Molecular consequence: synonymous variant.
Genome position (GRCh38, 1-based): chrX:154,353,588, G>A on the plus strand (C>T on the coding strand, the complement: FLNA is on the minus strand). VCF-style: chrX-154353588-G-A. GRCh37 (hg19) VCF-style: chrX-153581956-G-A.
Other names: c.5802C>T, p.His1934= (NM_001456.4).
Identifiers: ClinVar variation 1573857 (VCV001573857.33), dbSNP rs377667830, ClinGen allele CA337275653.